The following is an entry in ClinVar:

ClinVar aggregate classification (germline): Conflicting classifications of pathogenicity. Review status: criteria provided, conflicting classifications (1 of 4 stars). 3 submissions from 3 submitters: Uncertain significance (2); Likely benign (1). Last evaluated 2022-02-21.

Conditions:
Intellectual disability. Also called: intellectual disabilities; Intellectual developmental disorder; Intellectual functioning disability. Identifiers: MedGen C3714756, MeSH D008607, MONDO:0001071, HP:0001249.
Cornelia de Lange syndrome 4 (CDLS4). Also called: RAD21-Related Cornelia de Lange Syndrome; CORNELIA DE LANGE SYNDROME 4 WITH OR WITHOUT MIDLINE BRAIN DEFECTS. Identifiers: Orphanet 199, MedGen C3553517, MONDO:0013864, OMIM 614701.

Allele frequency attached by ClinVar (database versions not stated): gnomAD below 0.00001 and 0.00001; TOPMed 0.00001; gnomAD exomes 0.00001.
gnomAD v4.1: 13 of 1,547,662 alleles (0.00084%); highest among the groups gnomAD compares: South Asian, 0.0082%; no homozygotes.

Submissions (3):

Labcorp Genetics (formerly Invitae), Labcorp
Classification: Uncertain significance for Cornelia de Lange syndrome 4. Last evaluated: 2022-02-21. Review status: criteria provided, single submitter. Criteria: Invitae Variant Classification Sherloc (09022015). Collection method: clinical testing. Allele origin: germline.
Comment: This sequence change replaces valine, which is neutral and non-polar, with isoleucine, which is neutral and non-polar, at codon 284 of the RAD21 protein (p.Val284Ile). In summary, the available evidence is currently insufficient to determine the role of this variant in disease. Therefore, it has been classified as a Variant of Uncertain Significance. Algorithms developed to predict the effect of missense changes on protein structure and function output the following: SIFT: "Tolerated"; PolyPhen-2: "Benign"; Align-GVGD: "Class C0". The isoleucine amino acid residue is found in multiple mammalian species, which suggests that this missense change does not adversely affect protein function. ClinVar contains an entry for this variant (Variation ID: 973300). This variant has not been reported in the literature in individuals affected with RAD21-related conditions. The frequency data for this variant in the population databases is considered unreliable, as metrics indicate poor data quality at this position in the gnomAD database.

Cambridge Genomics Laboratory, East Genomic Laboratory Hub, NHS Genomic Medicine Service
Classification: Likely benign for Intellectual disability. Last evaluated: 2020-04-29. Review status: criteria provided, single submitter. Criteria: ACGS Best Practice Guidelines for Variant Classification in Rare Disease 2020. Collection method: clinical testing. Allele origin: germline. Affected: yes. Observed: 1 variant allele.

Illumina Laboratory Services, Illumina
Classification: Uncertain significance for Cornelia de Lange syndrome 4. Last evaluated: 2020-03-13. Review status: criteria provided, single submitter. Criteria: ICSLVariantClassificationCriteria RUGD 01 April 2020. Collection method: clinical testing. Allele origin: unknown.
Comment: The RAD21 c.850G>A (p.Val284Ile) variant is a missense variant. A literature search was performed for the gene, cDNA change and amino acid change. No publications were found based on this search. Control data are unavailable for this variant, which is reported at a frequency of 0.000014 in the Total population of the Genome Aggregation Database, which is high based on the known penetrance and prevalence estimates for this gene. However, affected individuals with variants in this gene have been noted in the literature to have mild features that may go undetected (Minor et al. 2014). Based on the limited evidence, the p.Val284Ile variant is classified as a variant of unknown significance for Corenlia de Lange syndrome.

Literature cited by the submitters: PubMed 24378232 (cited by Illumina Laboratory Services, Illumina).

NM_006265.3(RAD21):c.850G>A (p.Val284Ile)

Gene: RAD21 (RAD21 cohesin complex component; minus strand). Cytogenetic location: 8q24.11.
Variant type: single nucleotide variant.
Coding change: c.850G>A on transcript NM_006265.3 (MANE Select); coding-DNA position 850, G replaced by A.
Protein change: p.Val284Ile; replaces valine 284 with isoleucine.
Molecular consequence: missense variant.
Genome position (GRCh38, 1-based): chr8:116,856,253, C>T on the plus strand (G>A on the coding strand, the complement: RAD21 is on the minus strand). VCF-style: chr8-116856253-C-T. GRCh37 (hg19) VCF-style: chr8-117868492-C-T.
Other names: short protein forms V284I.
Identifiers: ClinVar variation 973300 (VCV000973300.10), dbSNP rs760261220, ClinGen allele CA372004204.
Genomic context (GRCh38, chr8:116,856,253, plus strand): 5'-ATGCTTCTTCCTCATTTGGAACAAGTGTTGTTTGATCAGTCATGGTTGGCATTGGTTCAA[C>T]GGGATCCACTGAATCAGGACTATCAGGCCCACCCACTGTAAAAAAAAAAAAAAAAAAAAA-3'
Protein context (NP_006256.1, residues 274-294): GPDSPDSVDP[Val284Ile]EPMPTMTDQT